The following is an entry in ClinVar:

ClinVar aggregate classification (germline): Uncertain significance (1 of 4 stars; one submission).

Conditions:
Autosomal recessive spinocerebellar ataxia 12. Also called: SPINOCEREBELLAR ATAXIA WITH MENTAL RETARDATION AND EPILEPSY. Identifiers: Orphanet 284282, MedGen C3280452, MONDO:0013687, OMIM 614322.
Developmental and epileptic encephalopathy, 1 (DEE1). Also called: X-linked infantile spasms; West's syndrome; Tonic spasms with clustering, arrest of psychomotor development and hypsarrhythmia on EEG; X-Linked Infantile Spasm Syndrome; OHTAHARA SYNDROME, X-LINKED; Epileptic encephalopathy, early infantile, 1. Identifiers: MedGen C3463992, MONDO:0010632, OMIM 308350. Disease mechanism: loss of function.

gnomAD v4.1: 2 of 1,614,024 alleles (0.00012%); highest among the groups gnomAD compares: African/African-American, 0.0013%; no homozygotes.

Submission:

Labcorp Genetics (formerly Invitae), Labcorp
Classification: Uncertain significance for Developmental and epileptic encephalopathy, 1; Autosomal recessive spinocerebellar ataxia 12. Last evaluated: 2022-08-06. Review status: criteria provided, single submitter. Criteria: Invitae Variant Classification Sherloc (09022015). Collection method: clinical testing. Allele origin: germline.
Comment: This sequence change replaces threonine, which is neutral and polar, with serine, which is neutral and polar, at codon 228 of the WWOX protein (p.Thr228Ser). This variant is not present in population databases (gnomAD no frequency). This variant has not been reported in the literature in individuals affected with WWOX-related conditions. ClinVar contains an entry for this variant (Variation ID: 1060705). Algorithms developed to predict the effect of missense changes on protein structure and function are either unavailable or do not agree on the potential impact of this missense change (SIFT: "Not Available"; PolyPhen-2: "Probably Damaging"; Align-GVGD: "Not Available"). In summary, the available evidence is currently insufficient to determine the role of this variant in disease. Therefore, it has been classified as a Variant of Uncertain Significance.

NM_016373.4(WWOX):c.683C>G (p.Thr228Ser)

Gene: WWOX (WW domain containing oxidoreductase; plus strand). Cytogenetic location: 16q23.1.
Variant type: single nucleotide variant.
Coding change: c.683C>G on transcript NM_016373.4 (MANE Select); coding-DNA position 683, C replaced by G.
Protein change: p.Thr228Ser; replaces threonine 228 with serine.
Molecular consequence: missense variant.
Genome position (GRCh38, 1-based): chr16:78,424,947, C>G. VCF-style: chr16-78424947-C-G. GRCh37 (hg19) VCF-style: chr16-78458844-C-G.
Other names: c.344C>G, p.Thr115Ser (NM_001291997.2); short protein forms T115S, T228S.
Identifiers: ClinVar variation 1060705 (VCV001060705.6), dbSNP rs761250135, ClinGen allele CA396842814.
Genomic context (GRCh38, chr16:78,424,947, plus strand): 5'-TGTGCAACGCAGCAACTTTTGCTCTACCCTGGAGTCTCACCAAAGATGGCCTGGAGACCA[C>G]CTTTCAAGTGAATCATCTGGGGCACTTCTACCTTGTCCAGCTCCTCCAGGATGTTTTGTG-3'
Protein context (NP_057457.1, residues 218-238): WSLTKDGLET[Thr228Ser]FQVNHLGHFY